The following is an entry in ClinVar:

ClinVar aggregate classification (germline): Benign/Likely benign. Review status: criteria provided, multiple submitters, no conflicts (2 of 4 stars). 5 submissions from 5 submitters: Benign (1); Likely benign (4). Last evaluated 2026-08-01.

Conditions:
Hemolytic anemia due to glucophosphate isomerase deficiency (CNSHA4). Also called: ANEMIA, CONGENITAL, NONSPHEROCYTIC HEMOLYTIC, 4. Identifiers: Orphanet 712, MedGen C0272064, MONDO:0013275, OMIM 613470.
GPI-related disorder. Also called: GPI-related condition.

Allele frequency attached by ClinVar (database versions not stated): 1000 Genomes Project 0.00080; 1000 Genomes Project 30x 0.00094.
gnomAD v4.1: 909 of 1,614,122 alleles (0.056%); highest among the groups gnomAD compares: Non-Finnish European, 0.024%; 8 homozygotes.

Submissions (8):

CeGaT Center for Human Genetics Tuebingen
Classification: Likely benign. Last evaluated: 2026-08-01. Review status: criteria provided, single submitter. Criteria: CeGaT Center For Human Genetics Tuebingen Variant Classification Criteria Version 2. Collection method: clinical testing. Allele origin: germline. Affected: yes. Observed: 2 variant alleles.
Comment: GPI: BP4, BP7

PreventionGenetics, part of Exact Sciences
Classification: Likely benign for GPI-related condition. Last evaluated: 2026-03-05. Review status: criteria provided, single submitter. Criteria: ACMG Guidelines, 2015. Collection method: clinical testing. Allele origin: germline.
Comment: This variant is classified as likely benign based on ACMG/AMP sequence variant interpretation guidelines (Richards et al. 2015 PMID: 25741868, with internal and published modifications).

Labcorp Genetics (formerly Invitae), Labcorp
Classification: Benign. Last evaluated: 2025-01-02. Review status: criteria provided, single submitter. Criteria: Invitae Variant Classification Sherloc (09022015). Collection method: clinical testing. Allele origin: germline.

Blueprint Genetics
Classification: Likely benign. Last evaluated: 2024-11-21. Review status: criteria provided, single submitter. Criteria: ACMG Guidelines, 2015. Collection method: clinical testing. Allele origin: germline.

ARUP Laboratories, Molecular Genetics and Genomics, ARUP Laboratories
Classification: Likely benign for Hemolytic anemia due to glucophosphate isomerase deficiency. Last evaluated: 2024-09-18. Review status: criteria provided, single submitter. Criteria: ARUP Molecular Germline Variant Investigation Process 2024. Collection method: clinical testing. Allele origin: germline.

Dr. Peter K. Rogan Lab, Western University
No classification provided (evidence only). Condition: Lung cancer. Review status: no classification provided. Collection method: in vitro. Allele origin: not applicable. Functional consequence: retained intron. Not counted in ClinVar's aggregate classification.

Dr. Peter K. Rogan Lab, Western University
No classification provided (evidence only). Condition: Familial cancer of breast. Review status: no classification provided. Collection method: in vitro. Allele origin: not applicable. Functional consequence: retained intron. Not counted in ClinVar's aggregate classification.

Dr. Peter K. Rogan Lab, Western University
No classification provided (evidence only). Condition: Colon adenocarcinoma. Review status: no classification provided. Collection method: in vitro. Allele origin: not applicable. Functional consequence: retained intron. Not counted in ClinVar's aggregate classification.

NM_000175.5(GPI):c.1356G>A (p.Ala452=)

Gene: GPI (glucose-6-phosphate isomerase; plus strand). Cytogenetic location: 19q13.11.
Variant type: single nucleotide variant.
Coding change: c.1356G>A on transcript NM_000175.5 (MANE Select); coding-DNA position 1356, G replaced by A.
Protein change: p.Ala452=; no amino-acid change (alanine 452 retained).
Molecular consequence: synonymous variant.
Genome position (GRCh38, 1-based): chr19:34,399,293, G>A. VCF-style: chr19-34399293-G-A. GRCh37 (hg19) VCF-style: chr19-34890198-G-A.
Other names: c.1389G>A, p.Ala463= (NM_001184722.1); c.1473G>A, p.Ala491= (NM_001289789.1); c.1272G>A, p.Ala424= (NM_001289790.3); c.1356G>A, p.Ala452= (NM_001329909.1, NM_001329910.1); c.1329G>A, p.Ala443= (NM_001329911.2); c.1356G>A (NM_000175.4).
Identifiers: ClinVar variation 2649707 (VCV002649707.31), dbSNP rs34604585, ClinGen allele CA9367425.
Genomic context (GRCh38, chr19:34,399,293, plus strand): 5'-GACAGAGGCCCTGATGAGGGGAAAATCGACGGAGGAGGCCCGAAAGGAGCTCCAGGCTGC[G>A]GGCAAGAGTCCAGAGGACCTTGAGAGGCTGCTGCCACATAAGGTCAGCACTTCTGCATTT-3'
Protein context (NP_000166.2, residues 442-462): TEEARKELQA[Ala452=]GKSPEDLERL